The following is an entry in ClinVar:

ClinVar aggregate classification (germline): Uncertain significance. Review status: criteria provided, multiple submitters, no conflicts (2 of 4 stars). 2 submissions from 2 submitters: Uncertain significance (2). Last evaluated 2022-09-01.

Conditions:
Generalized epilepsy with febrile seizures plus, type 7 (GEFSP7). Also called: GEFS+, TYPE 7. Identifiers: Orphanet 36387, MedGen C2751778, MONDO:0013470, OMIM 613863.
Neuropathy, hereditary sensory and autonomic, type 2A (HSAN2A). Also called: HSAN IIA; WNK1-Related HSAN2 (HSAN2A); ACROOSTEOLYSIS, GIACCAI TYPE; ACROOSTEOLYSIS, NEUROGENIC; MORVAN DISEASE; NEUROPATHY, CONGENITAL SENSORY. Identifiers: Orphanet 970, MedGen C2752089, MONDO:0024309, OMIM 201300.

Submissions (2):

Labcorp Genetics (formerly Invitae), Labcorp
Classification: Uncertain significance for Neuropathy, hereditary sensory and autonomic, type 2A; Generalized epilepsy with febrile seizures plus, type 7. Last evaluated: 2022-09-01. Review status: criteria provided, single submitter. Criteria: Invitae Variant Classification Sherloc (09022015). Collection method: clinical testing. Allele origin: germline.
Comment: In summary, the available evidence is currently insufficient to determine the role of this variant in disease. Therefore, it has been classified as a Variant of Uncertain Significance. Experimental studies have shown that this missense change affects SCN9A function (PMID: 21698661). Algorithms developed to predict the effect of missense changes on protein structure and function (SIFT, PolyPhen-2, Align-GVGD) all suggest that this variant is likely to be tolerated. This missense change has been observed in individual(s) with small fiber neuropathy (PMID: 21698661). This variant is present in population databases (rs200328637, gnomAD 0.003%). This sequence change replaces methionine, which is neutral and non-polar, with isoleucine, which is neutral and non-polar, at codon 1532 of the SCN9A protein (p.Met1532Ile).

Blueprint Genetics
Classification: Uncertain significance. Last evaluated: 2022-05-25. Review status: criteria provided, single submitter. Criteria: ACMG Guidelines, 2015. Collection method: clinical testing. Allele origin: germline.

Literature cited by the submitters: PubMed 21698661 (cited by Labcorp Genetics (formerly Invitae), Labcorp).

NM_001365536.1(SCN9A):c.4629G>C (p.Met1543Ile)

Genes: SCN9A (sodium voltage-gated channel alpha subunit 9; minus strand), SCN1A-AS1 (SCN1A and SCN9A antisense RNA 1; plus strand). Cytogenetic location: 2q24.3.
Variant type: single nucleotide variant.
Coding change: c.4629G>C on transcript NM_001365536.1 (MANE Select); coding-DNA position 4629, G replaced by C.
Protein change: p.Met1543Ile; replaces methionine 1543 with isoleucine.
Molecular consequence: missense variant.
Genome position (GRCh38, 1-based): chr2:166,204,100, C>G on the plus strand (G>C on the coding strand, the complement: SCN9A is on the minus strand). VCF-style: chr2-166204100-C-G. GRCh37 (hg19) VCF-style: chr2-167060610-C-G.
Other names: c.4596G>C, p.Met1532Ile (NM_002977.4); short protein forms M1543I, M1532I.
Identifiers: ClinVar variation 1962317 (VCV001962317.6), dbSNP rs200328637, ClinGen allele CA1943817.
Genomic context (GRCh38, chr2:166,204,100, plus strand): 5'-CACACATTCTCCAGTGAAAAGGATTATAAAAACCACATTTATCCAATATAAAACTTCAGT[C>G]ATATGTTGACTTTGACCCTCCTTTTCTACCATCATGGTTACCATGTTGAGACAGATAAGA-3'
Protein context (NP_001352465.1, residues 1533-1553): MVEKEGQSQH[Met1543Ile]TEVLYWINVV